The following is an entry in ClinVar:

NM_014633.5(CTR9):c.3493T>A (p.Ser1165Thr)

Gene: CTR9 (CTR9 component of Paf1/RNA polymerase II complex; plus strand). Cytogenetic location: 11p15.4.
Variant type: single nucleotide variant.
Coding change: c.3493T>A on transcript NM_014633.5 (MANE Select); coding-DNA position 3493, T replaced by A.
Protein change: p.Ser1165Thr; replaces serine 1165 with threonine.
Molecular consequence: missense variant.
Genome position (GRCh38, 1-based): chr11:10,779,076, T>A. VCF-style: chr11-10779076-T-A. GRCh37 (hg19) VCF-style: chr11-10800623-T-A.
Other names: c.3493T>A (NM_014633.3); c.3421T>A, p.Ser1141Thr (NM_001346279.2); short protein forms S1141T, S1165T.
Identifiers: ClinVar variation 2181516 (VCV002181516.6), dbSNP rs561474147, ClinGen allele CA5885605.

ClinVar aggregate classification (germline): Uncertain significance. Review status: criteria provided, multiple submitters, no conflicts (2 of 4 stars). 2 submissions from 2 submitters: Uncertain significance (2). Last evaluated 2025-10-28.

Conditions:
Inborn genetic diseases. Identifiers: MedGen C0950123, MeSH D030342.

Allele frequency attached by ClinVar (database versions not stated): gnomAD 0.00001; ExAC 0.00002; 1000 Genomes Project 30x 0.00047; 1000 Genomes Project 0.00060.
gnomAD v4.1: 7 of 1,614,062 alleles (0.00043%); highest among the groups gnomAD compares: East Asian, 0.013%; no homozygotes.

Submissions (2):

Labcorp Genetics (formerly Invitae), Labcorp
Classification: Uncertain significance. Last evaluated: 2025-10-28. Review status: criteria provided, single submitter. Criteria: Invitae Variant Classification Sherloc (09022015). Collection method: clinical testing. Allele origin: germline.
Comment: This sequence change replaces serine, which is neutral and polar, with threonine, which is neutral and polar, at codon 1165 of the CTR9 protein (p.Ser1165Thr). This variant is present in population databases (rs561474147, gnomAD 0.03%). This variant has not been reported in the literature in individuals affected with CTR9-related conditions. ClinVar contains an entry for this variant (Variation ID: 2181516). An algorithm developed to predict the effect of missense changes on protein structure and function (PolyPhen-2) suggests that this variant is likely to be tolerated. In summary, the available evidence is currently insufficient to determine the role of this variant in disease. Therefore, it has been classified as a Variant of Uncertain Significance.

Ambry Genetics
Classification: Uncertain significance for Inborn genetic diseases. Last evaluated: 2023-06-07. Review status: criteria provided, single submitter. Criteria: Ambry Variant Classification Scheme 2023. Collection method: clinical testing. Allele origin: germline.